The following is an entry in ClinVar:

ClinVar aggregate classification (germline): Uncertain significance (1 of 4 stars; one submission).

Conditions:
Mucopolysaccharidosis, MPS-IV-A (MPS4A). Also called: MPS IVA; GALACTOSAMINE-6-SULFATASE DEFICIENCY; GALNS DEFICIENCY; MORQUIO A DISEASE; Morquio syndrome A, mild; MORQUIO SYNDROME A. Identifiers: Orphanet 309297, Orphanet 582, MedGen C0086651, MONDO:0009659, OMIM 253000.

Allele frequency attached by ClinVar (database versions not stated): TOPMed below 0.00001.

Submission:

Labcorp Genetics (formerly Invitae), Labcorp
Classification: Uncertain significance for Mucopolysaccharidosis, MPS-IV-A. Last evaluated: 2022-06-09. Review status: criteria provided, single submitter. Criteria: Invitae Variant Classification Sherloc (09022015). Collection method: clinical testing. Allele origin: germline.
Comment: In summary, the available evidence is currently insufficient to determine the role of this variant in disease. Therefore, it has been classified as a Variant of Uncertain Significance. Advanced modeling of protein sequence and biophysical properties (such as structural, functional, and spatial information, amino acid conservation, physicochemical variation, residue mobility, and thermodynamic stability) performed at Invitae indicates that this missense variant is not expected to disrupt GALNS protein function. This variant has not been reported in the literature in individuals affected with GALNS-related conditions. This variant is not present in population databases (gnomAD no frequency). This sequence change replaces leucine, which is neutral and non-polar, with valine, which is neutral and non-polar, at codon 34 of the GALNS protein (p.Leu34Val).

NM_000512.5(GALNS):c.100C>G (p.Leu34Val)

Genes: GALNS (galactosamine (N-acetyl)-6-sulfatase; minus strand), TRAPPC2L (trafficking protein particle complex subunit 2L; plus strand), LOC130059762 (ATAC-STARR-seq lymphoblastoid silent region 7883; plus strand). Cytogenetic location: 16q24.3.
Variant type: single nucleotide variant.
Coding change: c.100C>G on transcript NM_000512.5 (MANE Select); coding-DNA position 100, C replaced by G.
Protein change: p.Leu34Val; replaces leucine 34 with valine.
Molecular consequence: missense variant. On other transcripts: 5 prime UTR variant (2).
Genome position (GRCh38, 1-based): chr16:88,856,778, G>C on the plus strand (C>G on the coding strand, the complement: GALNS is on the minus strand). VCF-style: chr16-88856778-G-C. GRCh37 (hg19) VCF-style: chr16-88923186-G-C.
Other names: c.-332C>G (NM_001323543.2); c.-53C>G (NM_001323544.2); short protein forms L34V.
Identifiers: ClinVar variation 1468146 (VCV001468146.8), dbSNP rs1352806619, ClinGen allele CA397101090.